The following is an entry in ClinVar:

ClinVar aggregate classification (germline): Uncertain significance (1 of 4 stars; one submission).

Conditions:
Cystic fibrosis (CF). Also called: MUCOVISCIDOSIS. Identifiers: Orphanet 586, MedGen C0010674, MONDO:0009061, OMIM 219700. Disease mechanism: loss of function.

Submission:

Ambry Genetics
Classification: Uncertain significance for Cystic fibrosis. Last evaluated: 2025-01-20. Review status: criteria provided, single submitter. Criteria: Ambry Variant Classification Scheme 2023. Collection method: clinical testing. Allele origin: germline.
Comment: The p.D651E variant (also known as c.1953C>G), located in coding exon 14 of the CFTR gene, results from a C to G substitution at nucleotide position 1953. The aspartic acid at codon 651 is replaced by glutamic acid, an amino acid with highly similar properties. This amino acid position is conserved. In addition, the in silico prediction for this alteration is inconclusive. Based on the available evidence, the clinical significance of this variant remains unclear.

NM_000492.4(CFTR):c.1953C>G (p.Asp651Glu)

Gene: CFTR (CF transmembrane conductance regulator; plus strand). Cytogenetic location: 7q31.2.
Variant type: single nucleotide variant.
Coding change: c.1953C>G on transcript NM_000492.4 (MANE Select); coding-DNA position 1953, C replaced by G.
Protein change: p.Asp651Glu; replaces aspartic acid 651 with glutamic acid.
Molecular consequence: missense variant.
Genome position (GRCh38, 1-based): chr7:117,592,120, C>G. VCF-style: chr7-117592120-C-G. GRCh37 (hg19) VCF-style: chr7-117232174-C-G.
Other names: short protein forms D651E.
Identifiers: ClinVar variation 3832581 (VCV003832581.1).